The following is an entry in ClinVar:

ClinVar aggregate classification (germline): Uncertain significance (1 of 4 stars; one submission).

Submission:

Labcorp Genetics (formerly Invitae), Labcorp
Classification: Uncertain significance. Last evaluated: 2022-07-13. Review status: criteria provided, single submitter. Criteria: Invitae Variant Classification Sherloc (09022015). Collection method: clinical testing. Allele origin: germline.
Comment: In summary, the available evidence is currently insufficient to determine the role of this variant in disease. Therefore, it has been classified as a Variant of Uncertain Significance. Algorithms developed to predict the effect of missense changes on protein structure and function are either unavailable or do not agree on the potential impact of this missense change (SIFT: "Not Available"; PolyPhen-2: "Probably Damaging"; Align-GVGD: "Not Available"). This variant has not been reported in the literature in individuals affected with TANGO2-related conditions. This variant is not present in population databases (gnomAD no frequency). This sequence change replaces tyrosine, which is neutral and polar, with aspartic acid, which is acidic and polar, at codon 224 of the TANGO2 protein (p.Tyr224Asp).

NM_152906.7(TANGO2):c.670T>G (p.Tyr224Asp)

Gene: TANGO2 (transport and golgi organization 2 homolog; plus strand). Cytogenetic location: 22q11.21.
Variant type: single nucleotide variant.
Coding change: c.670T>G on transcript NM_152906.7 (MANE Select); coding-DNA position 670, T replaced by G.
Protein change: p.Tyr224Asp; replaces tyrosine 224 with aspartic acid.
Molecular consequence: missense variant. On other transcripts: 3 prime UTR variant (1), non-coding transcript variant (5), intron variant (1).
Genome position (GRCh38, 1-based): chr22:20,063,402, T>G. VCF-style: chr22-20063402-T-G. GRCh37 (hg19) VCF-style: chr22-20050925-T-G.
Other names: c.670T>G, p.Tyr224Asp (NM_001283106.3, NM_001283116.3, NM_001322142.2); c.793T>G, p.Tyr265Asp (NM_001283129.3, NM_001322141.2, NM_001322143.2); c.668T>G, p.Val223Gly (NM_001283148.3, NM_001283154.3); c.484T>G, p.Tyr162Asp (NM_001283179.3, NM_001283186.3, NM_001322163.2 and 2 more transcripts); c.445T>G, p.Tyr149Asp (NM_001283199.3); c.376T>G, p.Tyr126Asp (NM_001283235.3, NM_001322150.2, NM_001322153.2 and 6 more transcripts); c.*6T>G (NM_001283248.3); c.791T>G, p.Val264Gly (NM_001322144.2); and 5 more; short protein forms V223G, V264G, Y126D, Y265D, V189G, V161G, Y162D, Y203D.
Identifiers: ClinVar variation 1940002 (VCV001940002.5), dbSNP rs1353640620, ClinGen allele CA410700369.
Genomic context (GRCh38, chr22:20,063,402, plus strand): 5'-CTGCCAGACCCGGCCATCGAGGACCAGGGTGGGGAGTACGTGCAGCCCATGCTGAGCAAG[T>G]ACGCGGCTGTGTGCGTGCGCTGCCCTGGCTACGGCACCAGGTATTGCAGCACCGTGGGTG-3'
Protein context (NP_690870.3, residues 214-234): GEYVQPMLSK[Tyr224Asp]AAVCVRCPGY